The following is an entry in ClinVar:

ClinVar aggregate classification (germline): Uncertain significance (1 of 4 stars; one submission).

Allele frequency attached by ClinVar (database versions not stated): gnomAD 0.00007; ESP Exome Variant Server 0.00008; ExAC 0.00012; TOPMed 0.00005; gnomAD exomes 0.00006.
gnomAD v4.1: 102 of 1,586,822 alleles (0.0064%); highest among the groups gnomAD compares: Non-Finnish European, 0.008%; no homozygotes.

Submission:

Labcorp Genetics (formerly Invitae), Labcorp
Classification: Uncertain significance. Last evaluated: 2026-01-28. Review status: criteria provided, single submitter. Criteria: Invitae Variant Classification Sherloc (09022015). Collection method: clinical testing. Allele origin: germline.
Comment: This sequence change replaces threonine, which is neutral and polar, with alanine, which is neutral and non-polar, at codon 537 of the RIPK1 protein (p.Thr537Ala). This variant is present in population databases (rs200093245, gnomAD 0.02%). This variant has not been reported in the literature in individuals affected with RIPK1-related conditions. ClinVar contains an entry for this variant (Variation ID: 2906803). An algorithm developed to predict the effect of missense changes on protein structure and function outputs the following: PolyPhen-2: "Benign". The alanine amino acid residue is found in multiple mammalian species, which suggests that this missense change does not adversely affect protein function. In summary, the available evidence is currently insufficient to determine the role of this variant in disease. Therefore, it has been classified as a Variant of Uncertain Significance.

NM_001354930.2(RIPK1):c.1609A>G (p.Thr537Ala)

Gene: RIPK1 (receptor interacting serine/threonine kinase 1; plus strand). Cytogenetic location: 6p25.2.
Variant type: single nucleotide variant.
Coding change: c.1609A>G on transcript NM_001354930.2 (MANE Select); coding-DNA position 1609, A replaced by G.
Protein change: p.Thr537Ala; replaces threonine 537 with alanine.
Molecular consequence: missense variant.
Genome position (GRCh38, 1-based): chr6:3,110,835, A>G. VCF-style: chr6-3110835-A-G. GRCh37 (hg19) VCF-style: chr6-3111069-A-G.
Other names: c.1120A>G, p.Thr374Ala (NM_001317061.3, NM_001354932.2, NM_001354933.2 and 1 more transcripts); c.1471A>G, p.Thr491Ala (NM_001354931.2); c.1609A>G, p.Thr537Ala (NM_003804.6); short protein forms T374A, T491A, T537A.
Identifiers: ClinVar variation 2906803 (VCV002906803.3), dbSNP rs200093245, ClinGen allele CA3618474.